The following is an entry in ClinVar:

ClinVar aggregate classification (germline): Pathogenic/Likely pathogenic. Review status: criteria provided, multiple submitters, no conflicts (2 of 4 stars). 2 submissions from 2 submitters: Pathogenic (1); Likely pathogenic (1). Last evaluated 2024-03-23.

Conditions:
Hypertrophic cardiomyopathy. Also called: HYPERTROPHIC MYOCARDIOPATHY. Identifiers: Orphanet 217569, MedGen C0007194, MeSH D002312, MONDO:0005045, HP:0001639.

Submissions (2):

Labcorp Genetics (formerly Invitae), Labcorp
Classification: Pathogenic for Hypertrophic cardiomyopathy. Last evaluated: 2024-03-23. Review status: criteria provided, single submitter. Criteria: Invitae Variant Classification Sherloc (09022015). Collection method: clinical testing. Allele origin: germline.
Comment: This sequence change creates a premature translational stop signal (p.Ser914Glnfs*10) in the MYBPC3 gene. It is expected to result in an absent or disrupted protein product. Loss-of-function variants in MYBPC3 are known to be pathogenic (PMID: 19574547). This variant is not present in population databases (gnomAD no frequency). This variant has not been reported in the literature in individuals affected with MYBPC3-related conditions. ClinVar contains an entry for this variant (Variation ID: 181087). For these reasons, this variant has been classified as Pathogenic.

GeneDx
Classification: Likely pathogenic. Last evaluated: 2017-05-26. Review status: criteria provided, single submitter. Criteria: GeneDx Variant Classification (06012015). Collection method: clinical testing. Allele origin: germline. Affected: yes.
Comment: Although the c.2739delC mutation in the MYBPC3 gene has not been reported to our knowledge, this mutation causes a shift in reading frame starting at codon Serine 914, changing it to a Glutamine, and creating a premature stop codon at position 10 of the new reading frame, denoted p.Ser914GlnfsX10. This mutation is expected to result in either an abnormal, truncated protein product or loss of protein from this allele through nonsense-mediated mRNA decay. Other frameshift mutations in the MYBPC3 gene have been reported in association with HCM. In summary, c.2739delC in the MYBPC3 gene is interpreted as a disease-causing mutation.

Literature cited by the submitters: PubMed 19574547 (cited by Labcorp Genetics (formerly Invitae), Labcorp).

NM_000256.3(MYBPC3):c.2739del (p.Ser914fs)

Gene: MYBPC3 (myosin binding protein C3; minus strand). Cytogenetic location: 11p11.2.
Variant type: Deletion.
Coding change: c.2739del on transcript NM_000256.3 (MANE Select); coding-DNA position 2739, one base deleted (C; older notation c.2739delC).
Protein change: p.Ser914fs; shifts the reading frame from serine 914.
Molecular consequence: frameshift variant.
Genome position (GRCh38, 1-based): chr11:47,335,208, G deleted on the plus strand (C on the coding strand, the reverse complement: MYBPC3 is on the minus strand). VCF-style (leftmost placement, unchanged base first): chr11-47335207-AG-A. GRCh37 (hg19) VCF-style: chr11-47356758-AG-A.
Other names: c.2739del, p.Ser914fs (LRG_386t1); c.2739delC (NM_000256.3); short protein forms S914fs.
Identifiers: ClinVar variation 181087 (VCV000181087.5), dbSNP rs730880660, ClinGen allele CA012918.
Genomic context (GRCh38, chr11:47,335,207, plus strand): 5'-GGTCCTTCACCAGTATCGATGTGTGCTCTGTCAGCCCCTGCAGGGCAGCCACCCACTCTG[AG>A]CCTGGGGGTGGGGAGGGGGAGGCAAGGCCACAGGCTGTGTCACCACTGACACCCCACTCC-3'